The following is an entry in ClinVar:

NM_012082.4(ZFPM2):c.292G>A (p.Asp98Asn)

Gene: ZFPM2 (zinc finger protein, FOG family member 2; plus strand). Cytogenetic location: 8q23.1.
Variant type: single nucleotide variant.
Coding change: c.292G>A on transcript NM_012082.4 (MANE Select); coding-DNA position 292, G replaced by A.
Protein change: p.Asp98Asn; replaces aspartic acid 98 with asparagine.
Molecular consequence: missense variant. On other transcripts: 5 prime UTR variant (1).
Genome position (GRCh38, 1-based): chr8:105,444,372, G>A. VCF-style: chr8-105444372-G-A. GRCh37 (hg19) VCF-style: chr8-106456600-G-A.
Other names: c.133G>A, p.Asp45Asn (NM_001362836.2); c.-105G>A (NM_001362837.2); short protein forms D98N, D45N.
Identifiers: ClinVar variation 240844 (VCV000240844.39), dbSNP rs202217256, ClinGen allele CA4839442.

ClinVar aggregate classification (germline): Benign/Likely benign. Review status: criteria provided, multiple submitters, no conflicts (2 of 4 stars). 4 submissions from 4 submitters: Benign (1); Likely benign (1). 2 of the submissions do not count toward it. Last evaluated 2026-07-01.

Conditions:
ZFPM2-related disorder. Also called: ZFPM2-related condition.
46,XY sex reversal 9 (SRXY9). Also called: 46,XY SEX REVERSAL, ZFPM2-RELATED. Identifiers: Orphanet 251510, MedGen C4015129, MONDO:0014480, OMIM 616067.
46,XY sex reversal 3. Also called: NR5A1-related 46,XY complete gonadal dysgenesis; 46,XY SEX REVERSAL, PARTIAL OR COMPLETE, NR5A1-RELATED; 46,XY GONADAL DYSGENESIS, PARTIAL OR COMPLETE, WITH OR WITHOUT ADRENAL FAILURE; DISORDER OF SEX DEVELOPMENT, 46,XY, NR5A1-RELATED; SEX REVERSAL, XY, WITH OR WITHOUT ADRENAL FAILURE. Identifiers: MedGen C3489793, MONDO:0013066, OMIM 612965.

Allele frequency attached by ClinVar (database versions not stated): 1000 Genomes Project 30x 0.00078; 1000 Genomes Project 0.00100; gnomAD exomes 0.00256 and 0.00458; TOPMed 0.00267; gnomAD 0.00301 and 0.00311; ExAC 0.00366; ESP Exome Variant Server 0.00375.

Submissions (4):

CeGaT Center for Human Genetics Tuebingen
Classification: Likely benign. Last evaluated: 2026-07-01. Review status: criteria provided, single submitter. Criteria: CeGaT Center For Human Genetics Tuebingen Variant Classification Criteria Version 2. Collection method: clinical testing. Allele origin: germline. Affected: yes. Observed: 7 variant alleles.
Comment: ZFPM2: BS2

Labcorp Genetics (formerly Invitae), Labcorp
Classification: Benign for 46,XY sex reversal 9. Last evaluated: 2026-01-25. Review status: criteria provided, single submitter. Criteria: Invitae Variant Classification Sherloc (09022015). Collection method: clinical testing. Allele origin: germline.

PreventionGenetics, part of Exact Sciences
Classification: Likely benign for ZFPM2-related condition. Last evaluated: 2019-09-10. Review status: no assertion criteria provided. Collection method: clinical testing. Allele origin: germline. Not counted in ClinVar's aggregate classification.
Comment: This variant is classified as likely benign based on ACMG/AMP sequence variant interpretation guidelines (Richards et al. 2015 PMID: 25741868, with internal and published modifications).

Reproductive Development, Murdoch Childrens Research Institute
Classification: Benign for 46,XY disorder of sex development. Last evaluated: 2019-08-26. Review status: no assertion criteria provided. Collection method: research. Allele origin: germline. Affected: yes. Not counted in ClinVar's aggregate classification.